The following is an entry in ClinVar:

ClinVar aggregate classification (germline): Conflicting classifications of pathogenicity. Review status: criteria provided, conflicting classifications (1 of 4 stars). 5 submissions from 5 submitters: Uncertain significance (4); Likely benign (1). Last evaluated 2025-11-30.

Conditions:
Hereditary cancer-predisposing syndrome. Also called: Hereditary neoplastic syndrome; Tumor predisposition; Hereditary Cancer Syndrome; Neoplastic Syndromes, Hereditary. Identifiers: Orphanet 140162, MedGen C0027672, MeSH D009386, MONDO:0015356.
Hereditary breast ovarian cancer syndrome. Also called: Hereditary breast and/or ovarian cancer syndrome; BRCA1- and BRCA2-Associated Hereditary Breast and Ovarian Cancer; Breast and ovarian cancer; Hereditary breast and ovarian cancer; Hereditary breast and ovarian cancer syndrome; Hereditary breast and ovarian cancer syndrome (HBOC). Identifiers: Orphanet 145, MedGen C0677776, MeSH D061325, MONDO:0003582. Disease mechanism: loss of function.

Allele frequency attached by ClinVar (database versions not stated): gnomAD 0.00001; TOPMed 0.00001.
gnomAD v4.1: 2 of 1,613,814 alleles (0.00012%); highest among the groups gnomAD compares: African/African-American, 0.0027%; no homozygotes.

Submissions (5):

Women's Health and Genetics/Laboratory Corporation of America, LabCorp
Classification: Uncertain significance. Last evaluated: 2025-11-30. Review status: criteria provided, single submitter. Criteria: LabCorp Variant Classification Summary - May 2015. Collection method: clinical testing. Allele origin: germline.

Labcorp Genetics (formerly Invitae), Labcorp
Classification: Uncertain significance for Hereditary breast ovarian cancer syndrome. Last evaluated: 2025-07-19. Review status: criteria provided, single submitter. Criteria: Invitae Variant Classification Sherloc (09022015). Collection method: clinical testing. Allele origin: germline.
Comment: This sequence change replaces glutamic acid, which is acidic and polar, with lysine, which is basic and polar, at codon 2874 of the BRCA2 protein (p.Glu2874Lys). This variant is not present in population databases (gnomAD no frequency). This variant has not been reported in the literature in individuals affected with BRCA2-related conditions. ClinVar contains an entry for this variant (Variation ID: 491358). Invitae Evidence Modeling of protein sequence and biophysical properties (such as structural, functional, and spatial information, amino acid conservation, physicochemical variation, residue mobility, and thermodynamic stability) indicates that this missense variant is not expected to disrupt BRCA2 protein function with a negative predictive value of 95%. In summary, the available evidence is currently insufficient to determine the role of this variant in disease. Therefore, it has been classified as a Variant of Uncertain Significance.

Ambry Genetics
Classification: Likely benign for Hereditary cancer-predisposing syndrome. Last evaluated: 2025-05-15. Review status: criteria provided, single submitter. Criteria: Ambry Variant Classification Scheme 2023. Collection method: clinical testing. Allele origin: germline.

GeneDx
Classification: Uncertain significance. Last evaluated: 2023-07-23. Review status: criteria provided, single submitter. Criteria: GeneDx Variant Classification Process June 2021. Collection method: clinical testing. Allele origin: germline. Affected: yes.
Comment: Not observed at significant frequency in large population cohorts (gnomAD); In silico analysis supports that this missense variant does not alter protein structure/function; Has not been previously published as pathogenic or benign to our knowledge; Also known as 8848G>A; This variant is associated with the following publications: (PMID: 12228710, 29884841)

Color Diagnostics, LLC DBA Color Health
Classification: Uncertain significance for Hereditary cancer-predisposing syndrome. Last evaluated: 2020-03-03. Review status: criteria provided, single submitter. Criteria: ACMG Guidelines, 2015. Collection method: clinical testing. Allele origin: germline.
Comment: This missense variant replaces glutamic acid with lysine at codon 2874 of the BRCA2 protein. Computational prediction suggests that this variant may not impact protein structure and function (internally defined REVEL score threshold <= 0.5, PMID: 27666373). Splice site prediction tools suggest that this variant may not impact RNA splicing. To our knowledge, functional studies have not been reported for this variant. This variant has not been reported in individuals affected with hereditary cancer in the literature. This variant has not been identified in the general population by the Genome Aggregation Database (gnomAD). The available evidence is insufficient to determine the role of this variant in disease conclusively. Therefore, this variant is classified as a Variant of Uncertain Significance.

NM_000059.4(BRCA2):c.8620G>A (p.Glu2874Lys)

Gene: BRCA2 (BRCA2 DNA repair associated; plus strand). Cytogenetic location: 13q13.1.
Variant type: single nucleotide variant.
Coding change: c.8620G>A on transcript NM_000059.4 (MANE Select); coding-DNA position 8620, G replaced by A.
Protein change: p.Glu2874Lys; replaces glutamic acid 2874 with lysine.
Molecular consequence: missense variant.
Genome position (GRCh38, 1-based): chr13:32,371,088, G>A. VCF-style: chr13-32371088-G-A. GRCh37 (hg19) VCF-style: chr13-32945225-G-A.
Other names: short protein forms E2874K.
Identifiers: ClinVar variation 491358 (VCV000491358.20), dbSNP rs397507996, ClinGen allele CA387752967.